The following is an entry in ClinVar:

ClinVar aggregate classification (germline): Uncertain significance (1 of 4 stars; one submission).

Conditions:
Malignant hyperthermia, susceptibility to, 1 (MHS1). Also called: Anesthesia related hyperthermia; Malignant hyperpyrexia; Fulminating hyperpyrexia; Pharmacogenic myopathy; RYR1-Related Malignant Hyperthermia Susceptibility; Malignant hyperthermia suceptibility 1. Identifiers: Orphanet 423, MedGen C2930980, MONDO:0007783, OMIM 145600.

gnomAD v4.1: 1 of 1,614,042 alleles (0.000062%); highest among the groups gnomAD compares: Non-Finnish European, 0.000085%; no homozygotes.

Submission:

All of Us Research Program, National Institutes of Health
Classification: Uncertain significance for Malignant hyperthermia, susceptibility to, 1. Last evaluated: 2024-08-06. Review status: criteria provided, single submitter. Criteria: ACMG Guidelines, 2015. Collection method: clinical testing. Allele origin: germline. Inheritance: Autosomal dominant inheritance. Observed: 1 variant allele, 1 heterozygote.
Comment: This study involves interpretation of variants in research participants for the purpose of population health screening. Participant phenotype was not available at the time of variant classification. Additional details can be found in publication PMID: 35346344, PMCID: PMC8962531

NM_000540.3(RYR1):c.1520G>A (p.Gly507Glu)

Genes: RYR1 (ryanodine receptor 1; plus strand), LOC129391106 (MPRA-validated peak3472 silencer; plus strand). Cytogenetic location: 19q13.2.
Variant type: single nucleotide variant.
Coding change: c.1520G>A on transcript NM_000540.3 (MANE Select); coding-DNA position 1520, G replaced by A.
Protein change: p.Gly507Glu; replaces glycine 507 with glutamic acid.
Molecular consequence: missense variant.
Genome position (GRCh38, 1-based): chr19:38,455,314, G>A. VCF-style: chr19-38455314-G-A. GRCh37 (hg19) VCF-style: chr19-38945954-G-A.
Other names: c.1520G>A, p.Gly507Glu (NM_001042723.2); short protein forms G507E.
Identifiers: ClinVar variation 3387647 (VCV003387647.1).